The following is an entry in ClinVar:

ClinVar aggregate classification (germline): Uncertain significance (1 of 4 stars; one submission).

Conditions:
Charcot-Marie-Tooth disease, type I (CMT1). Also called: Charcot-Marie-Tooth, Type 1; Charcot-Marie-Tooth disease type 1. Identifiers: Orphanet 65753, MedGen C0751036, MONDO:0019011.

Submission:

Labcorp Genetics (formerly Invitae), Labcorp
Classification: Uncertain significance for Charcot-Marie-Tooth disease, type I. Last evaluated: 2024-07-21. Review status: criteria provided, single submitter. Criteria: Invitae Variant Classification Sherloc (09022015). Collection method: clinical testing. Allele origin: germline.
Comment: This sequence change replaces threonine, which is neutral and polar, with serine, which is neutral and polar, at codon 65 of the MPZ protein (p.Thr65Ser). This variant is not present in population databases (gnomAD no frequency). This variant has not been reported in the literature in individuals affected with MPZ-related conditions. Advanced modeling of protein sequence and biophysical properties (such as structural, functional, and spatial information, amino acid conservation, physicochemical variation, residue mobility, and thermodynamic stability) performed at Invitae indicates that this missense variant is not expected to disrupt MPZ protein function with a negative predictive value of 80%. This variant disrupts the p.Thr65 amino acid residue in MPZ. Other variant(s) that disrupt this residue have been determined to be pathogenic (PMID: 15036333, 30677751). This suggests that this residue is clinically significant, and that variants that disrupt this residue are likely to be disease-causing. In summary, the available evidence is currently insufficient to determine the role of this variant in disease. Therefore, it has been classified as a Variant of Uncertain Significance.

Literature cited by the submitters: PubMed 15036333; PubMed 30677751.

NM_000530.8(MPZ):c.194C>G (p.Thr65Ser)

Gene: MPZ (myelin protein zero; minus strand). Cytogenetic location: 1q23.3.
Variant type: single nucleotide variant.
Coding change: c.194C>G on transcript NM_000530.8 (MANE Select); coding-DNA position 194, C replaced by G.
Protein change: p.Thr65Ser; replaces threonine 65 with serine.
Molecular consequence: missense variant.
Genome position (GRCh38, 1-based): chr1:161,307,298, G>C on the plus strand (C>G on the coding strand, the complement: MPZ is on the minus strand). VCF-style: chr1-161307298-G-C. GRCh37 (hg19) VCF-style: chr1-161277088-G-C.
Other names: c.194C>G, p.Thr65Ser (NM_001315491.2); short protein forms T65S.
Identifiers: ClinVar variation 3694459 (VCV003694459.2).
Genomic context (GRCh38, chr1:161,307,298, plus strand): 5'-GGATTCCCCCAGGCACTCACCGAAATGGCATCTCTGCCCCCTTCGGGCTGGTAGCGCCAG[G>C]TGAAGGAGATGTCATCTGAGACCCACTCACTGGACCAGAAGGAGCAGTGCAGGGTCACCC-3'
Protein context (NP_000521.2, residues 55-75): SEWVSDDISF[Thr65Ser]WRYQPEGGRD